The following is an entry in ClinVar:

ClinVar aggregate classification (germline): Uncertain significance. Review status: criteria provided, multiple submitters, no conflicts (2 of 4 stars). 3 submissions from 3 submitters: Uncertain significance (3). Last evaluated 2024-11-07.

Conditions:
Renal cell carcinoma. Identifiers: Orphanet 217071, MedGen C0007134, MeSH D002292, MONDO:0005086, HP:0005584.
Autosomal recessive nonsyndromic hearing loss 97. Also called: Deafness, autosomal recessive 97. Identifiers: Orphanet 90636, MedGen C4084709, MONDO:0014739, OMIM 616705.
Hereditary cancer-predisposing syndrome. Also called: Neoplastic Syndromes, Hereditary; Tumor predisposition; Hereditary neoplastic syndrome; Hereditary Cancer Syndrome. Identifiers: Orphanet 140162, MedGen C0027672, MeSH D009386, MONDO:0015356.

Allele frequency attached by ClinVar (database versions not stated): gnomAD exomes below 0.00001; ExAC 0.00001.
gnomAD v4.1: 3 of 1,614,038 alleles (0.00019%); highest among the groups gnomAD compares: Admixed American, 0.0017%; no homozygotes.

Submissions (3):

Ambry Genetics
Classification: Uncertain significance for Hereditary cancer-predisposing syndrome. Last evaluated: 2024-11-07. Review status: criteria provided, single submitter. Criteria: Ambry Variant Classification Scheme 2023. Collection method: clinical testing. Allele origin: germline.
Comment: The p.L317I variant (also known as c.949C>A), located in coding exon 1 of the MET gene, results from a C to A substitution at nucleotide position 949. The leucine at codon 317 is replaced by isoleucine, an amino acid with highly similar properties. This amino acid position is highly conserved in available vertebrate species. In addition, this alteration is predicted to be tolerated by in silico analysis. Based on the available evidence, the clinical significance of this variant remains unclear.

Labcorp Genetics (formerly Invitae), Labcorp
Classification: Uncertain significance for Renal cell carcinoma. Last evaluated: 2024-10-16. Review status: criteria provided, single submitter. Criteria: Invitae Variant Classification Sherloc (09022015). Collection method: clinical testing. Allele origin: germline.
Comment: This sequence change replaces leucine, which is neutral and non-polar, with isoleucine, which is neutral and non-polar, at codon 317 of the MET protein (p.Leu317Ile). This variant is present in population databases (rs750531377, gnomAD 0.0009%). This variant has not been reported in the literature in individuals affected with MET-related conditions. ClinVar contains an entry for this variant (Variation ID: 580449). Invitae Evidence Modeling of protein sequence and biophysical properties (such as structural, functional, and spatial information, amino acid conservation, physicochemical variation, residue mobility, and thermodynamic stability) indicates that this missense variant is not expected to disrupt MET protein function with a negative predictive value of 80%. In summary, the available evidence is currently insufficient to determine the role of this variant in disease. Therefore, it has been classified as a Variant of Uncertain Significance.

Baylor Genetics
Classification: Uncertain significance for Autosomal recessive nonsyndromic hearing loss 97. Last evaluated: 2023-07-10. Review status: criteria provided, single submitter. Criteria: ACMG Guidelines, 2015. Collection method: clinical testing. Allele origin: unknown.

NM_000245.4(MET):c.949C>A (p.Leu317Ile)

Gene: MET (MET proto-oncogene, receptor tyrosine kinase; plus strand). Cytogenetic location: 7q31.2.
Variant type: single nucleotide variant.
Coding change: c.949C>A on transcript NM_000245.4 (MANE Select); coding-DNA position 949, C replaced by A.
Protein change: p.Leu317Ile; replaces leucine 317 with isoleucine.
Molecular consequence: missense variant. On other transcripts: intron variant (1).
Genome position (GRCh38, 1-based): chr7:116,700,033, C>A. VCF-style: chr7-116700033-C-A. GRCh37 (hg19) VCF-style: chr7-116340087-C-A.
Other names: c.949C>A, p.Leu317Ile (NM_001127500.3, NM_001324401.3); c.-91+27456C>A (NM_001324402.2); short protein forms L317I.
Identifiers: ClinVar variation 580449 (VCV000580449.15), dbSNP rs750531377, ClinGen allele CA4448047.